The following is an entry in ClinVar:

NM_002860.4(ALDH18A1):c.1172A>T (p.His391Leu)

Gene: ALDH18A1 (aldehyde dehydrogenase 18 family member A1; minus strand). Cytogenetic location: 10q24.1.
Variant type: single nucleotide variant.
Coding change: c.1172A>T on transcript NM_002860.4 (MANE Select); coding-DNA position 1172, A replaced by T.
Protein change: p.His391Leu; replaces histidine 391 with leucine.
Molecular consequence: missense variant.
Genome position (GRCh38, 1-based): chr10:95,625,436, T>A on the plus strand (A>T on the coding strand, the complement: ALDH18A1 is on the minus strand). VCF-style: chr10-95625436-T-A. GRCh37 (hg19) VCF-style: chr10-97385193-T-A.
Other names: c.1166A>T, p.His389Leu (NM_001017423.2, NM_001323415.2); c.839A>T, p.His280Leu (NM_001323412.2, NM_001323416.2); c.1172A>T, p.His391Leu (NM_001323413.2, NM_001323414.2); c.1067A>T, p.His356Leu (NM_001323417.2); c.833A>T, p.His278Leu (NM_001323418.2); c.536A>T, p.His179Leu (NM_001323419.2); short protein forms H391L, H179L, H278L, H280L, H356L, H389L.
Identifiers: ClinVar variation 1366482 (VCV001366482.6), dbSNP rs774081826, ClinGen allele CA377702808.

ClinVar aggregate classification (germline): Uncertain significance (1 of 4 stars; one submission).

Conditions:
Cutis laxa, autosomal dominant 3 (ADCL3). Identifiers: Orphanet 90348, MedGen C4225268, MONDO:0014706, OMIM 616603.
de Barsy syndrome. Also called: Cutis laxa-corneal clouding-oligophrenia syndrome. Identifiers: Orphanet 2962, MedGen C0268354, MONDO:0017569.
Autosomal dominant spastic paraplegia type 9. Identifiers: MedGen C1832669, MONDO:0015091.

gnomAD v4.1: 1 of 1,613,992 alleles (0.000062%); highest among the groups gnomAD compares: Non-Finnish European, 0.000085%; no homozygotes.

Submission:

Labcorp Genetics (formerly Invitae), Labcorp
Classification: Uncertain significance for Autosomal dominant spastic paraplegia type 9; de Barsy syndrome; Cutis laxa, autosomal dominant 3. Last evaluated: 2021-09-26. Review status: criteria provided, single submitter. Criteria: Invitae Variant Classification Sherloc (09022015). Collection method: clinical testing. Allele origin: germline.
Comment: This sequence change replaces histidine with leucine at codon 391 of the ALDH18A1 protein (p.His391Leu). The histidine residue is moderately conserved and there is a moderate physicochemical difference between histidine and leucine. In summary, the available evidence is currently insufficient to determine the role of this variant in disease. Therefore, it has been classified as a Variant of Uncertain Significance. Algorithms developed to predict the effect of missense changes on protein structure and function (SIFT, PolyPhen-2, Align-GVGD) all suggest that this variant is likely to be tolerated. This variant has not been reported in the literature in individuals affected with ALDH18A1-related conditions. This variant is not present in population databases (ExAC no frequency).